The following is an entry in ClinVar:

ClinVar aggregate classification (germline): Conflicting classifications of pathogenicity. Review status: criteria provided, conflicting classifications (1 of 4 stars). 2 submissions from 2 submitters: Pathogenic (1); Uncertain significance (1). Last evaluated 2024-11-06.

Conditions:
Hypertrophic cardiomyopathy 12. Identifiers: MedGen C2677491, MONDO:0012804, OMIM 612124.
Dilated cardiomyopathy 1M (CMD1M). Identifiers: Orphanet 154, MedGen C1843808, MONDO:0011840, OMIM 607482.

Allele frequency attached by ClinVar (database versions not stated): gnomAD exomes below 0.00001; ExAC 0.00001.

Submissions (2):

Labcorp Genetics (formerly Invitae), Labcorp
Classification: Pathogenic for Hypertrophic cardiomyopathy 12; Dilated cardiomyopathy 1M. Last evaluated: 2024-11-06. Review status: criteria provided, single submitter. Criteria: Invitae Variant Classification Sherloc (09022015). Collection method: clinical testing. Allele origin: germline.
Comment: This sequence change results in a frameshift in the CSRP3 gene (p.Gln24Hisfs*184). While this is not anticipated to result in nonsense mediated decay, it is expected to disrupt the last 171 amino acid(s) of the CSRP3 protein and extend the protein by 12 additional amino acid residues. This variant is present in population databases (rs766395852, gnomAD 0.0009%). This variant has not been reported in the literature in individuals affected with CSRP3-related conditions. ClinVar contains an entry for this variant (Variation ID: 1011003). This variant disrupts a region of the CSRP3 protein in which other variant(s) (p.Cys150Tyr) have been determined to be pathogenic (PMID: 23396983, 25351510, 33035702). This suggests that this is a clinically significant region of the protein, and that variants that disrupt it are likely to be disease-causing. For these reasons, this variant has been classified as Pathogenic.

Blueprint Genetics
Classification: Uncertain significance. Last evaluated: 2020-12-30. Review status: criteria provided, single submitter. Criteria: ACMG Guidelines, 2015. Collection method: clinical testing. Allele origin: germline.

Literature cited by the submitters: PubMed 23396983 (cited by Labcorp Genetics (formerly Invitae), Labcorp); PubMed 25351510 (cited by Labcorp Genetics (formerly Invitae), Labcorp); PubMed 33035702 (cited by Labcorp Genetics (formerly Invitae), Labcorp).

NM_003476.5(CSRP3):c.72del (p.Gln24fs)

Gene: CSRP3 (cysteine and glycine rich protein 3; minus strand). Cytogenetic location: 11p15.1.
Variant type: Deletion.
Coding change: c.72del on transcript NM_003476.5 (MANE Select); coding-DNA position 72, one base deleted (G; older notation c.72delG).
Protein change: p.Gln24fs; shifts the reading frame from glutamine 24.
Molecular consequence: frameshift variant.
Genome position (GRCh38, 1-based): chr11:19,192,377, C deleted on the plus strand (G on the coding strand, the reverse complement: CSRP3 is on the minus strand). VCF-style (leftmost placement, unchanged base first): chr11-19192376-AC-A. GRCh37 (hg19) VCF-style: chr11-19213923-AC-A.
Other names: c.72del, p.Gln24fs (NM_001369404.1); short protein forms Q24fs.
Identifiers: ClinVar variation 1011003 (VCV001011003.7), dbSNP rs766395852, ClinGen allele CA5916676.